The following is an entry in ClinVar:

ClinVar aggregate classification (germline): Uncertain significance (1 of 4 stars; one submission).

Conditions:
Primary ciliary dyskinesia 30. Also called: CILIARY DYSKINESIA, PRIMARY, 30, WITH OR WITHOUT SITUS INVERSUS. Identifiers: Orphanet 244, MedGen C4015016, MONDO:0014465, OMIM 616037.

gnomAD v4.1: 7 of 1,613,994 alleles (0.00043%); highest among the groups gnomAD compares: Admixed American, 0.0017%; no homozygotes.

Submission:

Baylor Genetics
Classification: Uncertain significance for Primary ciliary dyskinesia 30. Last evaluated: 2018-03-26. Review status: criteria provided, single submitter. Criteria: ACMG Guidelines, 2015. Collection method: clinical testing. Allele origin: unknown. Affected: yes.
Comment: This variant was determined to be of uncertain significance according to ACMG Guidelines, 2015 [PMID:25741868].

NM_145045.5(ODAD3):c.718G>A (p.Glu240Lys)

Gene: ODAD3 (outer dynein arm docking complex subunit 3; minus strand). Cytogenetic location: 19p13.2.
Variant type: single nucleotide variant.
Coding change: c.718G>A on transcript NM_145045.5 (MANE Select); coding-DNA position 718, G replaced by A.
Protein change: p.Glu240Lys; replaces glutamic acid 240 with lysine.
Molecular consequence: missense variant.
Genome position (GRCh38, 1-based): chr19:11,426,568, C>T on the plus strand (G>A on the coding strand, the complement: ODAD3 is on the minus strand). VCF-style: chr19-11426568-C-T. GRCh37 (hg19) VCF-style: chr19-11537388-C-T.
Other names: c.556G>A, p.Glu186Lys (NM_001302453.1); c.538G>A, p.Glu180Lys (NM_001302454.2); short protein forms E186K, E180K, E240K.
Identifiers: ClinVar variation 1034292 (VCV001034292.1), dbSNP rs774815326, ClinGen allele CA9212278.
Genomic context (GRCh38, chr19:11,426,568, plus strand): 5'-GTTTGGTCCTCACCACCTCAGCCTCCATGGAGTCCAGCCGGTTCTCCAAGTTGAGGCTCT[C>T]GTCCTGGGGCGTGGTGGGGAGGGGTAGCGGAGATGGTGCAGGTCTGTGACTGCTGTCCCT-3'
Protein context (NP_659482.3, residues 230-250): YLQLKAYLMD[Glu240Lys]SLNLENRLDS